The following is an entry in ClinVar:

NM_001848.3(COL6A1):c.1956G>A (p.Lys652=)

Gene: COL6A1 (collagen type VI alpha 1 chain; plus strand). Cytogenetic location: 21q22.3.
Variant type: single nucleotide variant.
Coding change: c.1956G>A on transcript NM_001848.3 (MANE Select); coding-DNA position 1956, G replaced by A.
Protein change: p.Lys652=; no amino-acid change (lysine 652 retained).
Molecular consequence: synonymous variant.
Genome position (GRCh38, 1-based): chr21:46,001,386, G>A. VCF-style: chr21-46001386-G-A. GRCh37 (hg19) VCF-style: chr21-47421300-G-A.
Identifiers: ClinVar variation 1422745 (VCV001422745.6), dbSNP rs750677675, ClinGen allele CA10070665.
Genomic context (GRCh38, chr21:46,001,386, plus strand): 5'-GATTGCCAAGGACTTCGTCGTCAAGGTCATCGACCGGCTGAGCCGGGACGAGCTGGTCAA[G>A]GTGAGGCCTCGCCCCGCCCGGCTTTCTCAAGCCCAGGTGCACCCCGACCCTGCCGGCCGC-3'
Protein context (NP_001839.2, residues 642-662): IDRLSRDELV[Lys652=]FEPGQSYAGV

ClinVar aggregate classification (germline): Uncertain significance (1 of 4 stars; one submission).

Conditions:
Bethlem myopathy 1A. Also called: MYOPATHY, BENIGN CONGENITAL, WITH CONTRACTURES; Bethlem Muscular Dystrophy; Bethlem myopathy 1. Identifiers: Orphanet 610, MedGen CN029274, MONDO:0024530, OMIM 158810.

Allele frequency attached by ClinVar (database versions not stated): gnomAD exomes 0.00001 and below 0.00001; TOPMed 0.00001; ExAC 0.00001.

Submission:

Labcorp Genetics (formerly Invitae), Labcorp
Classification: Uncertain significance for Bethlem myopathy 1A. Last evaluated: 2024-05-09. Review status: criteria provided, single submitter. Criteria: Invitae Variant Classification Sherloc (09022015). Collection method: clinical testing. Allele origin: germline.
Comment: This sequence change affects codon 652 of the COL6A1 mRNA. It is a 'silent' change, meaning that it does not change the encoded amino acid sequence of the COL6A1 protein. This variant also falls at the last nucleotide of exon 30, which is part of the consensus splice site for this exon. This variant is present in population databases (rs750677675, gnomAD 0.01%). This variant has not been reported in the literature in individuals affected with COL6A1-related conditions. ClinVar contains an entry for this variant (Variation ID: 1422745). Variants that disrupt the consensus splice site are a relatively common cause of aberrant splicing (PMID: 17576681, 9536098). Algorithms developed to predict the effect of sequence changes on RNA splicing suggest that this variant may create or strengthen a splice site. In summary, the available evidence is currently insufficient to determine the role of this variant in disease. Therefore, it has been classified as a Variant of Uncertain Significance.

Literature cited by the submitters: PubMed 17576681; PubMed 9536098.